The following is an entry in ClinVar:

NM_017763.6(RNF43):c.875A>G (p.His292Arg)

Gene: RNF43 (ring finger protein 43; minus strand). Cytogenetic location: 17q22.
Variant type: single nucleotide variant.
Coding change: c.875A>G on transcript NM_017763.6 (MANE Select); coding-DNA position 875, A replaced by G.
Protein change: p.His292Arg; replaces histidine 292 with arginine.
Molecular consequence: missense variant.
Genome position (GRCh38, 1-based): chr17:58,360,226, T>C on the plus strand (A>G on the coding strand, the complement: RNF43 is on the minus strand). VCF-style: chr17-58360226-T-C. GRCh37 (hg19) VCF-style: chr17-56437587-T-C.
Other names: c.875A>G, p.His292Arg (NM_001305544.3); c.494A>G, p.His165Arg (NM_001305545.2); short protein forms H165R, H292R.
Identifiers: ClinVar variation 934228 (VCV000934228.8), dbSNP rs768506009, ClinGen allele CA8673270.

ClinVar aggregate classification (germline): Uncertain significance (1 of 4 stars; one submission).

Allele frequency attached by ClinVar (database versions not stated): gnomAD exomes below 0.00001; ExAC 0.00001.
gnomAD v4.1: 1 of 1,614,078 alleles (0.000062%); highest among the groups gnomAD compares: Non-Finnish European, 0.000085%; no homozygotes.

Submission:

Labcorp Genetics (formerly Invitae), Labcorp
Classification: Uncertain significance. Last evaluated: 2023-08-17. Review status: criteria provided, single submitter. Criteria: Invitae Variant Classification Sherloc (09022015). Collection method: clinical testing. Allele origin: germline.
Comment: This missense change has been observed in individual(s) with sessile serrated adenomas (Invitae). This variant is present in population databases (rs768506009, gnomAD 0.0009%). This sequence change replaces histidine, which is basic and polar, with arginine, which is basic and polar, at codon 292 of the RNF43 protein (p.His292Arg). ClinVar contains an entry for this variant (Variation ID: 934228). In summary, the available evidence is currently insufficient to determine the role of this variant in disease. Therefore, it has been classified as a Variant of Uncertain Significance. Experimental studies have shown that this missense change affects RNF43 function (PMID: 26350900, 29330307). An algorithm developed to predict the effect of missense changes on protein structure and function (PolyPhen-2) suggests that this variant is likely to be disruptive.

Literature cited by the submitters: PubMed 26350900; PubMed 29330307.